The following is an entry in ClinVar:

NM_001613.4(ACTA2):c.98dup (p.Ser35fs)

Gene: ACTA2 (actin alpha 2, smooth muscle; minus strand). Cytogenetic location: 10q23.31.
Variant type: Duplication.
Coding change: c.98dup on transcript NM_001613.4 (MANE Select); coding-DNA position 98, one base duplicated (T; older notation c.98dupT).
Protein change: p.Ser35fs; shifts the reading frame from serine 35.
Molecular consequence: frameshift variant.
Genome position (GRCh38, 1-based): chr10:88,948,833, A duplicated on the plus strand (T on the coding strand, the reverse complement: ACTA2 is on the minus strand); the first of 4 consecutive A bases (chr10:88,948,833-88,948,836); duplicating any one gives the same sequence. VCF-style (leftmost placement, unchanged base first): chr10-88948832-G-GA. GRCh37 (hg19) VCF-style: chr10-90708589-G-GA.
Other names: c.95dup, p.Ser35Ilefs (NM_001141945.3, NM_001320855.2, NM_001406462.1 and 7 more transcripts); short protein forms S35fs.
Identifiers: ClinVar variation 1510678 (VCV001510678.10), dbSNP rs2133273811, ClinGen allele CA2573145872.

ClinVar aggregate classification (germline): Uncertain significance (1 of 4 stars; one submission).

Conditions:
Aortic aneurysm, familial thoracic 6 (AAT6). Also called: FAMILIAL THORACIC AORTIC ANEURYSM WITH LIVEDO RETICULARIS AND IRIS FLOCCULI. Identifiers: MedGen C2673186, MONDO:0012730, OMIM 611788.

Submission:

Labcorp Genetics (formerly Invitae), Labcorp
Classification: Uncertain significance for Aortic aneurysm, familial thoracic 6. Last evaluated: 2021-02-16. Review status: criteria provided, single submitter. Criteria: Invitae Variant Classification Sherloc (09022015). Collection method: clinical testing. Allele origin: germline.
Comment: In summary, the available evidence is currently insufficient to determine the role of this variant in disease. Therefore, it has been classified as a Variant of Uncertain Significance. This variant has been observed in individual(s) with thoracic aortic aneurysm and dissection (Invitae). This variant is not present in population databases (ExAC no frequency). This sequence change creates a premature translational stop signal (p.Ser35Ilefs*24) in the ACTA2 gene. It is expected to result in an absent or disrupted protein product. However, the current clinical and genetic evidence is not sufficient to establish whether loss-of-function variants in ACTA2 cause disease.